The following is an entry in ClinVar:

ClinVar aggregate classification (germline): Pathogenic (1 of 4 stars; one submission).

Conditions:
Glutaric aciduria, type 1. Also called: Glutaryl-CoA dehydrogenase deficiency; Glutaric acidemia type I; Glutaricacidemia Type 1; Glutaricaciduria, type I; Glutaric Acidemia Type 1; GA I. Identifiers: Orphanet 25, MedGen C0268595, MONDO:0009281, OMIM 231670.

Submission:

Labcorp Genetics (formerly Invitae), Labcorp
Classification: Pathogenic for Glutaric aciduria, type 1. Last evaluated: 2021-07-07. Review status: criteria provided, single submitter. Criteria: Invitae Variant Classification Sherloc (09022015). Collection method: clinical testing. Allele origin: germline.
Comment: This variant has not been reported in the literature in individuals affected with GCDH-related conditions. For these reasons, this variant has been classified as Pathogenic. This variant disrupts a region of the GCDH protein in which other variant(s) (p.Asn392Metfs*9) have been determined to be pathogenic (PMID: 8900228, 10960496, 25762492). This suggests that this is a clinically significant region of the protein, and that variants that disrupt it are likely to be disease-causing. This variant is not present in population databases (ExAC no frequency). This sequence change creates a premature translational stop signal (p.Asn373Ilefs*28) in the GCDH gene. While this is not anticipated to result in nonsense mediated decay, it is expected to disrupt the last 66 amino acid(s) of the GCDH protein.

Literature cited by the submitters: PubMed 8900228; PubMed 10960496; PubMed 25762492.

NM_000159.4(GCDH):c.1116del (p.Asn373fs)

Gene: GCDH (glutaryl-CoA dehydrogenase; plus strand). Cytogenetic location: 19p13.13.
Variant type: Deletion.
Coding change: c.1116del on transcript NM_000159.4 (MANE Select); coding-DNA position 1116, one base deleted (G; older notation c.1116delG).
Protein change: p.Asn373fs; shifts the reading frame from asparagine 373.
Molecular consequence: frameshift variant. On other transcripts: non-coding transcript variant (2).
Genome position (GRCh38, 1-based): chr19:12,897,736, G deleted; the last of 2 consecutive G bases (chr19:12,897,735-12,897,736); deleting either gives the same sequence. VCF-style (leftmost placement, unchanged base first): chr19-12897734-AG-A. GRCh37 (hg19) VCF-style: chr19-13008548-AG-A.
Other names: c.1116del, p.Asn373fs (NM_013976.5); short protein forms N373fs.
Identifiers: ClinVar variation 1361482 (VCV001361482.7), dbSNP rs2145954876, ClinGen allele CA2573156007.
Genomic context (GRCh38, chr19:12,897,734, plus strand): 5'-TCCTTGTTACCCTCATGTGCCACTCCCAGGGCTGCCCCCGAGATGGTTTCTCTGCTGAAG[AG>A]GAATAACTGTGGGAAAGCCCTGGACATCGCCCGCCAGGCCCGAGACATGCTGGGGGGGAA-3'